The following is an entry in ClinVar:

NM_001854.4(COL11A1):c.1379G>T (p.Gly460Val)

Gene: COL11A1 (collagen type XI alpha 1 chain; minus strand). Cytogenetic location: 1p21.1.
Variant type: single nucleotide variant.
Coding change: c.1379G>T on transcript NM_001854.4 (MANE Select); coding-DNA position 1379, G replaced by T.
Protein change: p.Gly460Val; replaces glycine 460 with valine.
Molecular consequence: missense variant. On other transcripts: non-coding transcript variant (1).
Genome position (GRCh38, 1-based): chr1:103,017,854, C>A on the plus strand (G>T on the coding strand, the complement: COL11A1 is on the minus strand). VCF-style: chr1-103017854-C-A. GRCh37 (hg19) VCF-style: chr1-103483410-C-A.
Other names: c.1031G>T, p.Gly344Val (NM_001168249.1, NM_080630.4); c.1262G>T, p.Gly421Val (NM_001190709.2); c.1415G>T, p.Gly472Val (NM_080629.3); short protein forms G344V, G421V, G460V, G472V.
Identifiers: ClinVar variation 2130104 (VCV002130104.4), dbSNP rs2525523952, ClinGen allele CA341179675.

ClinVar aggregate classification (germline): Uncertain significance (1 of 4 stars; one submission).

Submission:

Labcorp Genetics (formerly Invitae), Labcorp
Classification: Uncertain significance. Last evaluated: 2022-04-24. Review status: criteria provided, single submitter. Criteria: Invitae Variant Classification Sherloc (09022015). Collection method: clinical testing. Allele origin: germline.
Comment: In summary, the available evidence is currently insufficient to determine the role of this variant in disease. Therefore, it has been classified as a Variant of Uncertain Significance. Advanced modeling of protein sequence and biophysical properties (such as structural, functional, and spatial information, amino acid conservation, physicochemical variation, residue mobility, and thermodynamic stability) performed at Invitae indicates that this missense variant is expected to disrupt COL11A1 protein function. This variant has not been reported in the literature in individuals affected with COL11A1-related conditions. This variant is not present in population databases (gnomAD no frequency). This sequence change replaces glycine, which is neutral and non-polar, with valine, which is neutral and non-polar, at codon 460 of the COL11A1 protein (p.Gly460Val).